The following is an entry in ClinVar:

GRCh37/hg19 7q11.22(chr7:69617684-69932353)x1

Gene: AUTS2 (activator of transcription and developmental regulator AUTS2; plus strand). Cytogenetic location: 7q11.22.
Variant type: copy number loss.
Change: copy number 1 (one copy instead of two) of chr7:69,617,684-69,932,353 (314.7 kb, GRCh37 coordinates, 1-based), cytogenetic band 7q11.22.
Identifiers: ClinVar variation 563334 (VCV000563334.2).

ClinVar aggregate classification (germline): Pathogenic (1 of 4 stars; one submission).

Submission:

Quest Diagnostics Nichols Institute San Juan Capistrano
Classification: Pathogenic. Last evaluated: 2022-03-29. Review status: criteria provided, single submitter. Criteria: ACMG/ClinGen CNV Guidelines, 2019. Collection method: clinical testing. Allele origin: unknown.
Comment: The copy number loss of 7q11.22 involves a single exon (exon 5, NM_015570.4) of AUTS2 (OMIM 607270). Intragenic deletions of AUTS2, involving single exon 5, have been reported in individuals with intellectual disability (ID), developmental delay (DD), speech delay, and congenital malformations (Beunders 2016, Maron 2021). Additionally, haploinsufficiency of AUTS2 due to loss-of-function sequence variants and disruptive deletions/insertions is associated with intellectual disability-26 (OMIM 615834), an autosomal dominant disorder characterized by variable neurodevelopmental phenotypes, including ID, DD, and autism, with or without other congenital malformations, such as microcephaly, short stature, or facial dysmorphism. Reported AUTS2 variants have been de novo or inherited from an affected or apparently healthy parent. (Amarillo 2014, Bartnik 2014, Beunders 2013, Beunders 2016, Fan 2016, Nagamani 2013, Stojanovic 2021). Additionally, there are no similar copy number losses of this region in the general populations of the Database of Genomic Variants. Thus, based upon current medical literature and the haploinsufficiency of AUTS2, the clinical significance of this deletion is interpreted as pathogenic. References: Amarillo et al., Am J Med Genet A. 2014 Apr;164A(4):958-65.). PMID: 24459036 Bartnik et al., Dev Period Med. 2014 Jul-Sep;18(3):307-17. PMID: 25182394 Beunders et al., Am J Hum Genet. 2013 Feb 7;92(2):210-20 PMID: 23332918 Beunders et al., J Med Genet. 2016 Apr 13, PMID:27075013 Fan et al., Am J Med Genet A. 2016 Feb;170A(2):515-522. PMID: 26545289 Maron et al., JAMA Pediatr. 2021 May 1;175(5):e205906. PMID: 33587123 Nagamani et al., Eur J Hum Genet. 2013 Mar;21(3):343-6. PMID: 22872102 Stojanovic et al., J Child Neurol. 2020 Feb;35(2):116-131. PMID: 31623504